The following is an entry in ClinVar:

NM_003839.4(TNFRSF11A):c.1633G>A (p.Asp545Asn)

Gene: TNFRSF11A (TNF receptor superfamily member 11a; plus strand). Cytogenetic location: 18q21.33.
Variant type: single nucleotide variant.
Coding change: c.1633G>A on transcript NM_003839.4 (MANE Select); coding-DNA position 1633, G replaced by A.
Protein change: p.Asp545Asn; replaces aspartic acid 545 with asparagine.
Molecular consequence: missense variant. On other transcripts: 3 prime UTR variant (1).
Genome position (GRCh38, 1-based): chr18:62,384,816, G>A. VCF-style: chr18-62384816-G-A. GRCh37 (hg19) VCF-style: chr18-60052049-G-A.
Other names: c.*57G>A (NM_001270949.2); c.796G>A, p.Asp266Asn (NM_001270950.2); c.682G>A, p.Asp228Asn (NM_001270951.2); c.1591G>A, p.Asp531Asn (NM_001278268.2); short protein forms D266N, D531N, D228N, D545N.
Identifiers: ClinVar variation 1372654 (VCV001372654.6), dbSNP rs2145405009, ClinGen allele CA402619997.
Genomic context (GRCh38, chr18:62,384,816, plus strand): 5'-GTGACTGGAAACAGTAACTCCACGTTCATCTCCAGCGGGCAGGTGATGAACTTCAAGGGC[G>A]ACATCATCGTGGTCTACGTCAGCCAGACCTCGCAGGAGGGCGCGGCGGCGGCTGCGGAGC-3'
Protein context (NP_003830.1, residues 535-555): SSGQVMNFKG[Asp545Asn]IIVVYVSQTS

ClinVar aggregate classification (germline): Uncertain significance (1 of 4 stars; one submission).

Allele frequency attached by ClinVar (database versions not stated): gnomAD exomes below 0.00001.
gnomAD v4.1: 1 of 1,612,466 alleles (0.000062%); highest among the groups gnomAD compares: Non-Finnish European, 0.000085%; no homozygotes.

Submission:

Labcorp Genetics (formerly Invitae), Labcorp
Classification: Uncertain significance. Last evaluated: 2026-01-27. Review status: criteria provided, single submitter. Criteria: Invitae Variant Classification Sherloc (09022015). Collection method: clinical testing. Allele origin: germline.
Comment: This sequence change replaces aspartic acid, which is acidic and polar, with asparagine, which is neutral and polar, at codon 545 of the TNFRSF11A protein (p.Asp545Asn). This variant is not present in population databases (gnomAD no frequency). This variant has not been reported in the literature in individuals affected with TNFRSF11A-related conditions. ClinVar contains an entry for this variant (Variation ID: 1372654). An algorithm developed to predict the effect of missense changes on protein structure and function (PolyPhen-2) suggests that this variant is likely to be disruptive. In summary, the available evidence is currently insufficient to determine the role of this variant in disease. Therefore, it has been classified as a Variant of Uncertain Significance.